The following is an entry in ClinVar:

NM_001040108.2(MLH3):c.3709A>G (p.Ile1237Val)

Gene: MLH3 (mutL homolog 3; minus strand). Cytogenetic location: 14q24.3.
Variant type: single nucleotide variant.
Coding change: c.3709A>G on transcript NM_001040108.2 (MANE Select); coding-DNA position 3709, A replaced by G.
Protein change: p.Ile1237Val; replaces isoleucine 1237 with valine.
Molecular consequence: missense variant. On other transcripts: intron variant (1).
Genome position (GRCh38, 1-based): chr14:75,033,425, T>C on the plus strand (A>G on the coding strand, the complement: MLH3 is on the minus strand). VCF-style: chr14-75033425-T-C. GRCh37 (hg19) VCF-style: chr14-75500128-T-C.
Other names: c.3644-1246A>G (NM_014381.3); short protein forms I1237V.
Identifiers: ClinVar variation 4826068 (VCV004826068.1).
Genomic context (GRCh38, chr14:75,033,425, plus strand): 5'-GTACTGATTCTGCTGGGAGTCTCAAATTTTTTCTGGCTGCAAACAGATCCTTACCAATGA[T>C]AAGCTGCTCCAGACGTATACGCTCATGGGCAGCGTGCTGATCCACCAGCACGAGCAGGTT-3'
Protein context (NP_001035197.1, residues 1227-1247): AHERIRLEQL[Ile1237Val]IDSYEKQQAQ

ClinVar aggregate classification (germline): Uncertain significance (1 of 4 stars; one submission).

gnomAD v4.1: 1 of 1,614,078 alleles (0.000062%); no homozygotes.

Submission:

Ambry Genetics
Classification: Uncertain significance. Last evaluated: 2026-03-12. Review status: criteria provided, single submitter. Criteria: Ambry Variant Classification Scheme 2023. Collection method: clinical testing. Allele origin: germline.
Comment: The p.I1237V variant (also known as c.3709A>G), located in coding exon 6 of the MLH3 gene, results from an A to G substitution at nucleotide position 3709. The isoleucine at codon 1237 is replaced by valine, an amino acid with highly similar properties. This amino acid position is conserved. In addition, this alteration is predicted to be tolerated by in silico analysis. Based on the available evidence, the clinical significance of this variant remains unclear.